The following is an entry in ClinVar:

ClinVar aggregate classification (germline): Uncertain significance. Review status: criteria provided, multiple submitters, no conflicts (2 of 4 stars). 2 submissions from 2 submitters: Uncertain significance (2). Last evaluated 2024-05-06.

Submissions (2):

Labcorp Genetics (formerly Invitae), Labcorp
Classification: Uncertain significance. Last evaluated: 2024-05-06. Review status: criteria provided, single submitter. Criteria: Invitae Variant Classification Sherloc (09022015). Collection method: clinical testing. Allele origin: germline.
Comment: This variant, c.2888_2890del, results in the deletion of 1 amino acid(s) of the ADNP protein (p.Val963del), but otherwise preserves the integrity of the reading frame. This variant is present in population databases (rs750133102, gnomAD 0.02%). This variant has not been reported in the literature in individuals affected with ADNP-related conditions. Experimental studies and prediction algorithms are not available or were not evaluated, and the functional significance of this variant is currently unknown. In summary, the available evidence is currently insufficient to determine the role of this variant in disease. Therefore, it has been classified as a Variant of Uncertain Significance.

GeneDx
Classification: Uncertain significance. Last evaluated: 2023-11-08. Review status: criteria provided, single submitter. Criteria: GeneDx Variant Classification Process June 2021. Collection method: clinical testing. Allele origin: germline. Affected: yes.
Comment: In-frame deletion of 1 amino acids in a non-repeat region; In silico analysis supports a deleterious effect on protein structure/function; Has not been previously published as pathogenic or benign to our knowledge

NM_001282531.3(ADNP):c.2885TTG[1] (p.Val963del)

Gene: ADNP (activity dependent neuroprotector homeobox; minus strand). Cytogenetic location: 20q13.13.
Variant type: Microsatellite.
Coding change: c.2885TTG[1] on transcript NM_001282531.3 (MANE Select); one copy of the 3-base unit TTG starting at c.2885; the reference has two copies in a row; one copy, 3 bases deleted.
Protein change: p.Val963del; deletes valine 963.
Molecular consequence: inframe deletion.
Genome position (GRCh38, 1-based): chr20:50,891,824-50,891,826, CAA deleted on the plus strand (TTG on the coding strand, the reverse complement: ADNP is on the minus strand); deleting any 3 consecutive bases within chr20:50,891,824-50,891,831 gives the same sequence; the position shown is the placement nearest the transcript's 3' end. VCF-style (leftmost placement, unchanged base first): chr20-50891823-TCAA-T. GRCh37 (hg19) VCF-style: chr20-49508360-TCAA-T.
Other names: c.2885TTG[1], p.Val963del (NM_001282532.2, NM_001347511.2, NM_015339.5 and 1 more transcripts); c.2888_2890del (NM_015339.2); short protein forms V963del.
Identifiers: ClinVar variation 2160210 (VCV002160210.5), dbSNP rs750133102, ClinGen allele CA9908495.